The following is an entry in ClinVar:

NM_030928.4(CDT1):c.748C>T (p.Arg250Cys)

Gene: CDT1 (chromatin licensing and DNA replication factor 1; plus strand). Cytogenetic location: 16q24.3.
Variant type: single nucleotide variant.
Coding change: c.748C>T on transcript NM_030928.4 (MANE Select); coding-DNA position 748, C replaced by T.
Protein change: p.Arg250Cys; replaces arginine 250 with cysteine.
Molecular consequence: missense variant.
Genome position (GRCh38, 1-based): chr16:88,805,785, C>T. VCF-style: chr16-88805785-C-T. GRCh37 (hg19) VCF-style: chr16-88872193-C-T.
Other names: c.748C>T (NM_030928.3); short protein forms R250C.
Identifiers: ClinVar variation 1469510 (VCV001469510.9), dbSNP rs199723040, ClinGen allele CA8233802.

ClinVar aggregate classification (germline): Uncertain significance. Review status: criteria provided, multiple submitters, no conflicts (2 of 4 stars). 4 submissions from 4 submitters: Uncertain significance (4). Last evaluated 2025-09-21.

Conditions:
Inborn genetic diseases. Identifiers: MedGen C0950123, MeSH D030342.
Meier-Gorlin syndrome 4 (MGORS4). Identifiers: Orphanet 2554, MedGen C3151120, MONDO:0013431, OMIM 613804.

Allele frequency attached by ClinVar (database versions not stated): gnomAD exomes 0.00002 and 0.00005; ExAC 0.00006; gnomAD 0.00010 and 0.00011; TOPMed 0.00011; ESP Exome Variant Server 0.00023.

Submissions (4):

Ambry Genetics
Classification: Uncertain significance for Inborn genetic diseases. Last evaluated: 2025-09-21. Review status: criteria provided, single submitter. Criteria: Ambry Variant Classification Scheme 2023. Collection method: clinical testing. Allele origin: germline.

Revvity Omics, Revvity
Classification: Uncertain significance for Meier-Gorlin syndrome 4. Last evaluated: 2025-03-19. Review status: criteria provided, single submitter. Criteria: ACMG Guidelines, 2015. Collection method: clinical testing. Allele origin: germline.

Labcorp Genetics (formerly Invitae), Labcorp
Classification: Uncertain significance. Last evaluated: 2022-09-07. Review status: criteria provided, single submitter. Criteria: Invitae Variant Classification Sherloc (09022015). Collection method: clinical testing. Allele origin: germline.
Comment: In summary, the available evidence is currently insufficient to determine the role of this variant in disease. Therefore, it has been classified as a Variant of Uncertain Significance. Algorithms developed to predict the effect of missense changes on protein structure and function are either unavailable or do not agree on the potential impact of this missense change (SIFT: "Deleterious"; PolyPhen-2: "Probably Damaging"; Align-GVGD: "Class C15"). ClinVar contains an entry for this variant (Variation ID: 1469510). This variant has not been reported in the literature in individuals affected with CDT1-related conditions. This variant is present in population databases (rs199723040, gnomAD 0.03%). This sequence change replaces arginine, which is basic and polar, with cysteine, which is neutral and slightly polar, at codon 250 of the CDT1 protein (p.Arg250Cys).

Blueprint Genetics
Classification: Uncertain significance. Last evaluated: 2021-07-20. Review status: criteria provided, single submitter. Criteria: ACMG Guidelines, 2015. Collection method: clinical testing. Allele origin: germline.